The following is an entry in ClinVar:

NM_000083.3(CLCN1):c.2284+5C>T

Gene: CLCN1 (chloride voltage-gated channel 1; plus strand). Cytogenetic location: 7q34.
Variant type: single nucleotide variant.
Coding change: c.2284+5C>T on transcript NM_000083.3 (MANE Select); 5 bases into the intron after coding-DNA position 2284, C replaced by T.
Molecular consequence: intron variant.
Genome position (GRCh38, 1-based): chr7:143,346,256, C>T. VCF-style: chr7-143346256-C-T. GRCh37 (hg19) VCF-style: chr7-143043349-C-T.
Identifiers: ClinVar variation 252462 (VCV000252462.55), dbSNP rs74824159, ClinGen allele CA4537608.

ClinVar aggregate classification (germline): Conflicting classifications of pathogenicity. Review status: criteria provided, conflicting classifications (1 of 4 stars). 12 submissions from 12 submitters: Uncertain significance (1); Benign (8). 3 of the submissions do not count toward it. Last evaluated 2026-09-01.

Conditions:
Congenital myotonia, autosomal dominant form (THD). Also called: THOMSEN DISEASE; Myotonia congenita autosomal dominant. Identifiers: Orphanet 614, MedGen C2936781, MONDO:0008055, OMIM 160800.
Congenital myotonia, autosomal recessive form. Also called: Becker Generalized Myotonia; BECKER DISEASE; myotonia congenita, autosomal recessive. Identifiers: Orphanet 614, MedGen C0751360, MONDO:0009715, OMIM 255700.
Batten-Turner congenital myopathy. Also called: Congenital myotonia; Myotonia congenita. Identifiers: Orphanet 206973, MedGen C0027127, MONDO:0100468, OMIM 255300.

Allele frequency attached by ClinVar (database versions not stated): 1000 Genomes Project 0.00879; 1000 Genomes Project 30x 0.00984; gnomAD 0.01718 and 0.01735; TOPMed 0.01755; gnomAD exomes 0.01778; ExAC 0.01803; ESP Exome Variant Server 0.02107.
gnomAD v4.1: 39,115 of 1,590,352 alleles (2.5%); highest among the groups gnomAD compares: Non-Finnish European, 3%; 591 homozygotes.

Submissions (12):

CeGaT Center for Human Genetics Tuebingen
Classification: Benign. Last evaluated: 2026-09-01. Review status: criteria provided, single submitter. Criteria: CeGaT Center For Human Genetics Tuebingen Variant Classification Criteria Version 2. Collection method: clinical testing. Allele origin: germline. Affected: yes. Observed: 13 variant alleles.
Comment: CLCN1: BP4, BS1, BS2

Women's Health and Genetics/Laboratory Corporation of America, LabCorp
Classification: Benign. Last evaluated: 2026-06-28. Review status: criteria provided, single submitter. Criteria: LabCorp Variant Classification Summary - May 2015. Collection method: clinical testing. Allele origin: germline.

Labcorp Genetics (formerly Invitae), Labcorp
Classification: Benign for Congenital myotonia, autosomal recessive form; Congenital myotonia, autosomal dominant form. Last evaluated: 2026-02-04. Review status: criteria provided, single submitter. Criteria: Invitae Variant Classification Sherloc (09022015). Collection method: clinical testing. Allele origin: germline.

Athena Diagnostics
Classification: Benign. Last evaluated: 2025-09-17. Review status: criteria provided, single submitter. Criteria: Athena Diagnostics Criteria. Collection method: clinical testing. Allele origin: unknown.
Comment: The frequency of this variant in the general population is higher than would generally be expected for pathogenic variants in this gene. Computational tools yielded predictions that this variant is unlikely to have an effect on normal RNA splicing. This nucleotide position exhibits low evolutionary conservation.

GeneDx
Classification: Benign. Last evaluated: 2019-05-17. Review status: criteria provided, single submitter. Criteria: GeneDx Variant Classification Process June 2021. Collection method: clinical testing. Allele origin: germline. Affected: yes.
Comment: This variant is associated with the following publications: (PMID: 24349310, 23739125, 11840191, 24452722, 15786415, 21221019, 22094069, 23152584, 12196568, 27614575, 27884173, 28427807, 15311340, 32117024)

Illumina Laboratory Services, Illumina
Classification: Benign for Myotonia congenita. Last evaluated: 2018-03-06. Review status: criteria provided, single submitter. Criteria: ICSL Variant Classification Criteria 13 December 2019. Collection method: clinical testing. Allele origin: germline.
Comment: This variant was observed in the ICSL laboratory as part of a predisposition screen in an ostensibly healthy population. It had not been previously curated by ICSL or reported in the Human Gene Mutation Database (HGMD: prior to June 1st, 2018), and was therefore a candidate for classification through an automated scoring system. Utilizing variant allele frequency, disease prevalence and penetrance estimates, and inheritance mode, an automated score was calculated to assess if this variant is too frequent to cause the disease. Based on the score and internal cut-off values, a variant classified as benign is not then subjected to further curation. The score for this variant resulted in a classification of benign for this disease.

Mayo Clinic Laboratories, Mayo Clinic
Classification: Benign. Last evaluated: 2018-03-01. Review status: criteria provided, single submitter. Criteria: ACMG Guidelines, 2015. Collection method: clinical testing. Allele origin: germline. Observed: 25 variant alleles.

Centre for Mendelian Genomics, University Medical Centre Ljubljana
Classification: Uncertain significance for Congenital myotonia, autosomal recessive form. Last evaluated: 2016-01-01. Review status: criteria provided, single submitter. Criteria: ACMG Guidelines, 2015. Collection method: clinical testing. Allele origin: unknown. Affected: yes.
Comment: This variant was classified as: Uncertain significance. The following ACMG criteria were applied in classifying this variant: BP4.

Genomic Diagnostic Laboratory, Division of Genomic Diagnostics, Children's Hospital of Philadelphia
Classification: Benign. Last evaluated: 2015-11-06. Review status: criteria provided, single submitter. Criteria: DGD Variant Analysis Guidelines. Collection method: clinical testing. Allele origin: unknown.

Genome Diagnostics Laboratory, University Medical Center Utrecht
Classification: Benign. Review status: no assertion criteria provided. Collection method: clinical testing. Allele origin: germline. Affected: yes. Study: VKGL Data-share Consensus. Not counted in ClinVar's aggregate classification.

Joint Genome Diagnostic Labs from Nijmegen and Maastricht, Radboudumc and MUMC+
Classification: Benign. Review status: no assertion criteria provided. Collection method: clinical testing. Allele origin: germline. Affected: yes. Study: VKGL Data-share Consensus. Not counted in ClinVar's aggregate classification.

Laboratory of Diagnostic Genome Analysis, Leiden University Medical Center (LUMC)
Classification: Likely benign. Review status: no assertion criteria provided. Collection method: clinical testing. Allele origin: germline. Affected: yes. Study: VKGL Data-share Consensus. Not counted in ClinVar's aggregate classification.

Literature cited by the submitters: PubMed 23152584 (cited by Athena Diagnostics); PubMed 24349310 (cited by Athena Diagnostics); PubMed 11840191 (cited by Athena Diagnostics); PubMed 27614575 (cited by Athena Diagnostics); PubMed 15311340 (cited by Athena Diagnostics).